The following is an entry in ClinVar:

ClinVar aggregate classification (germline): Likely pathogenic. Review status: criteria provided, multiple submitters, no conflicts (2 of 4 stars). 7 submissions from 7 submitters: Likely pathogenic (5). 2 of the submissions do not count toward it. Last evaluated 2026-04-07.

Conditions:
PCCA-related disorder. Also called: PCCA-related condition.
Propionic acidemia (PROP). Also called: GLYCINEMIA, KETOTIC; HYPERGLYCINEMIA WITH KETOACIDOSIS AND LEUKOPENIA; KETOTIC HYPERGLYCINEMIA. Identifiers: Orphanet 35, MedGen C0268579, MONDO:0011628, OMIM 606054, HP:0003571.

Allele frequency attached by ClinVar (database versions not stated): gnomAD 0.00003 and 0.00004; gnomAD exomes 0.00003; TOPMed 0.00004.
gnomAD v4.1: 51 of 1,558,224 alleles (0.0033%); highest among the groups gnomAD compares: Non-Finnish European, 0.0038%; no homozygotes.

Submissions (7):

Myriad Genetics, Inc.
Classification: Likely pathogenic for Propionic acidemia. Last evaluated: 2026-04-07. Review status: criteria provided, single submitter. Criteria: Myriad Autosomal Dominant, Autosomal Recessive and X-Linked Classification Criteria (2023). Collection method: clinical testing. Allele origin: unknown.
Comment: NM_000282.3(PCCA):c.782A>G(E261G) is a missense variant classified as likely pathogenic in the context of PCCA-related propionic acidemia. E261G has been observed in cases with relevant disease (PMID: 17051315, 34007002, 37688338). Relevant functional assessments of this variant are not available in the literature. Internal structural analysis of the variant is supportive of pathogenicity. E261G has not been observed in referenced population frequency databases. In summary, NM_000282.3(PCCA):c.782A>G(E261G) is a missense variant that has internal structural support for pathogenicity and has been observed more frequently in cases with the relevant disease than in healthy populations. Please note: this variant was assessed in the context of healthy population screening.

Labcorp Genetics (formerly Invitae), Labcorp
Classification: Likely pathogenic for Propionic acidemia. Last evaluated: 2025-07-29. Review status: criteria provided, single submitter. Criteria: Invitae Variant Classification Sherloc (09022015). Collection method: clinical testing. Allele origin: germline.
Comment: This sequence change replaces glutamic acid, which is acidic and polar, with glycine, which is neutral and non-polar, at codon 261 of the PCCA protein (p.Glu261Gly). This variant is present in population databases (no rsID available, gnomAD 0.007%). This missense change has been observed in individual(s) with autosomal recessive propionic acidemia (PMID: 17051315, 27776753, 38200289; internal data). ClinVar contains an entry for this variant (Variation ID: 459939). Invitae Evidence Modeling of protein sequence and biophysical properties (such as structural, functional, and spatial information, amino acid conservation, physicochemical variation, residue mobility, and thermodynamic stability) indicates that this missense variant is expected to disrupt PCCA protein function with a positive predictive value of 95%. In summary, the currently available evidence indicates that the variant is pathogenic, but additional data are needed to prove that conclusively. Therefore, this variant has been classified as Likely Pathogenic.

Women's Health and Genetics/Laboratory Corporation of America, LabCorp
Classification: Likely pathogenic for Propionic acidemia. Last evaluated: 2025-06-27. Review status: criteria provided, single submitter. Criteria: LabCorp Variant Classification Summary - May 2015. Collection method: clinical testing. Allele origin: germline.
Comment: Variant summary: PCCA c.782A>G (p.Glu261Gly) results in a non-conservative amino acid change located in the Carbamoyl-phosphate synthetase large subunit-like, ATP-binding domain (IPR005479) of the encoded protein sequence. Algorithms developed to predict the effect of missense changes on protein structure and function all suggest that this variant is likely to be disruptive. The variant was absent in 250162 control chromosomes (gnomAD). c.782A>G has been reported in the literature in individuals affected with Propionic Acidemia (examples: Desviat_2006, McCrory_2017, Shchelochkov_2024, internal data). These data indicate that the variant may be associated with disease. To our knowledge, no experimental evidence demonstrating an impact on protein function has been reported. The following publications have been ascertained in the context of this evaluation (PMID: 17051315, 27776753, 38200289). ClinVar contains an entry for this variant (Variation ID: 459939). Based on the evidence outlined above, the variant was classified as likely pathogenic.

Natera, Inc.
Classification: Likely pathogenic for Propionic acidemia. Last evaluated: 2024-08-08. Review status: criteria provided, single submitter. Criteria: Natera Variant Classification Schema (03/2026). Collection method: clinical testing. Allele origin: germline.
Comment: The c.782A>G variant in PCCA is a missense variant predicted to cause substitution of glutamic acid to glycine at amino acid 261. This variant is rare in the general population with a frequency below the threshold expected for the associated phenotype(s). This variant has been observed in one or more individuals affected with the associated recessive disease, as either homozygous or compound heterozygous with a second variant (PMID: 27776753, 17051315, 37688338). Computational prediction algorithms indicate this variant is likely to affect gene or protein function. Given the available evidence, this variant is classified as Likely Pathogenic.

Fulgent Genetics
Classification: Likely pathogenic for Propionic acidemia. Last evaluated: 2024-01-05. Review status: criteria provided, single submitter. Criteria: ACMG Guidelines, 2015. Collection method: clinical testing. Allele origin: germline.

PreventionGenetics, part of Exact Sciences
Classification: Likely pathogenic for PCCA-related condition. Last evaluated: 2023-12-31. Review status: no assertion criteria provided. Collection method: clinical testing. Allele origin: germline. Not counted in ClinVar's aggregate classification.
Comment: The PCCA c.782A>G variant is predicted to result in the amino acid substitution p.Glu261Gly. This variant has been reported in the compound heterozygous state with a second pathogenic variant in two presumably unrelated propionic acidemia patients (Table 2, Desviat et al., 2006. PubMed ID: 17051315; Table1, McCrory et al., 2017. PubMed ID: 27776753). This variant is reported in 0.0065% of alleles in individuals of European (Non-Finnish) descent in gnomAD. This variant is interpreted as likely pathogenic.

Counsyl
Classification: Uncertain significance for Propionic acidemia. Last evaluated: 2017-08-04. Review status: no assertion criteria provided. Collection method: clinical testing. Allele origin: unknown. Not counted in ClinVar's aggregate classification.

Literature cited by the submitters: PubMed 17051315 (cited by 5 submitters); PubMed 34007002 (cited by Myriad Genetics, Inc.); PubMed 37688338 (cited by Myriad Genetics, Inc. and Natera, Inc.); PubMed 27776753 (cited by 3 submitters); PubMed 38200289 (cited by Labcorp Genetics (formerly Invitae), Labcorp and Women's Health and Genetics/Laboratory Corporation of America, LabCorp).

NM_000282.4(PCCA):c.782A>G (p.Glu261Gly)

Gene: PCCA (propionyl-CoA carboxylase subunit alpha; plus strand). Cytogenetic location: 13q32.3.
Variant type: single nucleotide variant.
Coding change: c.782A>G on transcript NM_000282.4 (MANE Select); coding-DNA position 782, A replaced by G.
Protein change: p.Glu261Gly; replaces glutamic acid 261 with glycine.
Molecular consequence: missense variant. On other transcripts: 5 prime UTR variant (3), non-coding transcript variant (5).
Genome position (GRCh38, 1-based): chr13:100,262,794, A>G. VCF-style: chr13-100262794-A-G. GRCh37 (hg19) VCF-style: chr13-100915048-A-G.
Other names: c.704A>G, p.Glu235Gly (NM_001127692.3, NM_001352607.2, NM_001352608.2); c.782A>G, p.Glu261Gly (NM_001178004.2, NM_001352605.2, NM_001352606.2 and 1 more transcripts); c.-164A>G (NM_001352610.2, NM_001352611.2, NM_001352612.2); short protein forms E261G, E235G.
Identifiers: ClinVar variation 459939 (VCV000459939.21), dbSNP rs1169861687, ClinGen allele CA388694346.